The following is an entry in ClinVar:

ClinVar aggregate classification (germline): Pathogenic (1 of 4 stars; one submission).

Conditions:
Hypokalemic periodic paralysis, type 1. Also called: Hypokalemic Periodic Paralysis Type 1 (AD); HypoPP. Identifiers: Orphanet 681, MedGen C3714580, MONDO:0042979, OMIM 170400.
Malignant hyperthermia, susceptibility to, 5 (MHS5). Also called: CACNA1S-Related Malignant Hyperthermia Susceptibility. Identifiers: Orphanet 423, MedGen C1866077, MONDO:0011163, OMIM 601887.

Allele frequency attached by ClinVar (database versions not stated): TOPMed below 0.00001.

Submission:

Labcorp Genetics (formerly Invitae), Labcorp
Classification: Pathogenic for Hypokalemic periodic paralysis, type 1; Malignant hyperthermia, susceptibility to, 5. Last evaluated: 2020-04-08. Review status: criteria provided, single submitter. Criteria: Invitae Variant Classification Sherloc (09022015). Collection method: clinical testing. Allele origin: germline.
Comment: For these reasons, this variant has been classified as Pathogenic. Loss-of-function variants in CACNA1S are known to be pathogenic (PMID: 26247046, 28012042). Algorithms developed to predict the effect of sequence changes on RNA splicing suggest that this variant may create or strengthen a splice site, but this prediction has not been confirmed by published transcriptional studies. This variant has also been observed in an individual with unspecified myopathy or muscular dystrophy (PMID: 29792937). This variant is not present in population databases (ExAC no frequency). This sequence change creates a premature translational stop signal (p.Trp990*) in the CACNA1S gene. It is expected to result in an absent or disrupted protein product.

Literature cited by the submitters: PubMed 26247046; PubMed 28012042; PubMed 29792937.

NM_000069.3(CACNA1S):c.2970G>A (p.Trp990Ter)

Gene: CACNA1S (calcium voltage-gated channel subunit alpha1 S; minus strand). Cytogenetic location: 1q32.1.
Variant type: single nucleotide variant.
Coding change: c.2970G>A on transcript NM_000069.3 (MANE Select); coding-DNA position 2970, G replaced by A.
Protein change: p.Trp990Ter; replaces tryptophan 990 with a stop codon.
Molecular consequence: nonsense.
Genome position (GRCh38, 1-based): chr1:201,062,027, C>T on the plus strand (G>A on the coding strand, the complement: CACNA1S is on the minus strand). VCF-style: chr1-201062027-C-T. GRCh37 (hg19) VCF-style: chr1-201031155-C-T.
Other names: short protein forms W990*.
Identifiers: ClinVar variation 643605 (VCV000643605.11), dbSNP rs1572035834, ClinGen allele CA344163455.